The following is an entry in ClinVar:

ClinVar aggregate classification (germline): Uncertain significance. Review status: criteria provided, multiple submitters, no conflicts (2 of 4 stars). 3 submissions from 3 submitters: Uncertain significance (3). Last evaluated 2026-09-10.

Conditions:
SPG11-related disorder. Also called: SPG11-related condition.
Hereditary spastic paraplegia 11. Also called: SPASTIC PARAPLEGIA, AUTOSOMAL RECESSIVE, COMPLICATED, WITH THIN CORPUS CALLOSUM; SPASTIC PARAPLEGIA, AUTOSOMAL RECESSIVE, WITH MENTAL IMPAIRMENT AND THIN CORPUS CALLOSUM; Spastic Paraplegia 11; Nakamura Osame syndrome; Autosomal recessive hereditary spastic paraplegia, mental impairment, and thin corpus callosum; Spastic paraplegia, mental retardation and thin corpus callosum. Identifiers: Orphanet 2822, MedGen C1858479, MONDO:0011445, OMIM 604360.

Allele frequency attached by ClinVar (database versions not stated): ExAC 0.00001; gnomAD 0.00001; gnomAD exomes 0.00001 and 0.00002; TOPMed 0.00002.

Submissions (3):

PreventionGenetics, part of Exact Sciences
Classification: Uncertain significance for SPG11-related condition. Last evaluated: 2026-09-10. Review status: criteria provided, single submitter. Criteria: ACMG Guidelines, 2015. Collection method: clinical testing. Allele origin: germline.
Comment: The SPG11 c.7255_7256dupAA variant is predicted to result in a frameshift and premature protein termination (p.Phe2420Serfs*6). This variant has been reported in an individual with amyotrophic lateral sclerosis (Supp. Table 4, Ruf et al. 2023. PubMed ID: 37223130). This variant resides in the final exon of this gene, and it is unclear if the resulting mRNA would undergo nonsense-mediated decay. This variant is reported in 0.0033% of alleles in individuals of South Asian descent in gnomAD. At this time, the clinical significance of this variant is uncertain due to the absence of conclusive functional and genetic evidence.

Labcorp Genetics (formerly Invitae), Labcorp
Classification: Uncertain significance for Hereditary spastic paraplegia 11. Last evaluated: 2022-02-27. Review status: criteria provided, single submitter. Criteria: Invitae Variant Classification Sherloc (09022015). Collection method: clinical testing. Allele origin: germline.
Comment: This sequence change creates a premature translational stop signal (p.Phe2420Serfs*6) in the SPG11 gene. While this is not anticipated to result in nonsense mediated decay, it is expected to disrupt the last 24 amino acid(s) of the SPG11 protein. This variant is present in population databases (rs532737377, gnomAD 0.003%). This variant has not been reported in the literature in individuals affected with SPG11-related conditions. ClinVar contains an entry for this variant (Variation ID: 546750). Experimental studies and prediction algorithms are not available or were not evaluated, and the functional significance of this variant is currently unknown. In summary, the available evidence is currently insufficient to determine the role of this variant in disease. Therefore, it has been classified as a Variant of Uncertain Significance.

CeGaT Center for Human Genetics Tuebingen
Classification: Uncertain significance. Last evaluated: 2018-03-01. Review status: criteria provided, single submitter. Criteria: CeGaT Center For Human Genetics Tuebingen Variant Classification Criteria Version 2. Collection method: clinical testing. Allele origin: germline. Affected: yes. Observed: 1 variant allele.

NM_025137.4(SPG11):c.7255_7256dup (p.Phe2420fs)

Gene: SPG11 (SPG11 vesicle trafficking associated, spatacsin; minus strand). Cytogenetic location: 15q21.1.
Variant type: Duplication.
Coding change: c.7255_7256dup on transcript NM_025137.4 (MANE Select); coding-DNA positions 7255 to 7256, 2 bases duplicated (AA; older notation c.7255_7256dupAA).
Protein change: p.Phe2420fs; shifts the reading frame from phenylalanine 2420.
Molecular consequence: frameshift variant.
Genome position (GRCh38, 1-based): chr15:44,563,197-44,563,198, TT duplicated on the plus strand (AA on the coding strand, the reverse complement: SPG11 is on the minus strand). VCF-style (leftmost placement, unchanged base first): chr15-44563196-C-CTT. GRCh37 (hg19) VCF-style: chr15-44855394-C-CTT.
Other names: c.7255_7256dupAA (NM_025137.3); c.6916_6917dup, p.Phe2307fs (NM_001160227.2); short protein forms F2307fs, F2420fs.
Identifiers: ClinVar variation 546750 (VCV000546750.47), dbSNP rs532737377, ClinGen allele CA7533838.